The following is an entry in ClinVar:

NM_000540.3(RYR1):c.1823_1824dup (p.Asn609fs)

Gene: RYR1 (ryanodine receptor 1; plus strand). Cytogenetic location: 19q13.2.
Variant type: Microsatellite.
Coding change: c.1823_1824dup on transcript NM_000540.3 (MANE Select); coding-DNA positions 1823 to 1824, 2 bases duplicated (GT; older notation c.1823_1824dupGT).
Protein change: p.Asn609fs; shifts the reading frame from asparagine 609.
Molecular consequence: frameshift variant.
Genome position (GRCh38, 1-based): chr19:38,457,528-38,457,529, GT duplicated; duplicating any 2 consecutive bases within chr19:38,457,519-38,457,529 gives the same sequence; the c. name uses the placement nearest the transcript's 3' end. VCF-style (leftmost placement, unchanged base first): chr19-38457518-C-CTG. GRCh37 (hg19) VCF-style: chr19-38948158-C-CTG.
Other names: c.1823_1824dup, p.Asn609fs (NM_001042723.2); short protein forms N609fs.
Identifiers: ClinVar variation 3713236 (VCV003713236.2).
Genomic context (GRCh38, chr19:38,457,518, plus strand): 5'-GTGCCTACACACCCTTTAACCTCTGACCTTGACCTCTAGGTCCTGGACGTGCTATGCTCC[C>CTG]TGTGTGTGTGTAATGGTGTGGCTGTACGCTCCAACCAAGATCTTATTACTGAGAACTTGC-3'

ClinVar aggregate classification (germline): Pathogenic (1 of 4 stars; one submission).

Conditions:
RYR1-related disorder. Also called: RYR1-related condition; RYR1-related disorders. Identifiers: MedGen CN239331.

Submission:

Labcorp Genetics (formerly Invitae), Labcorp
Classification: Pathogenic for RYR1-related disorder. Last evaluated: 2025-02-02. Review status: criteria provided, single submitter. Criteria: Invitae Variant Classification Sherloc (09022015). Collection method: clinical testing. Allele origin: germline.
Comment: This sequence change creates a premature translational stop signal (p.Asn609Valfs*58) in the RYR1 gene. It is expected to result in an absent or disrupted protein product. Loss-of-function variants in RYR1 are known to be pathogenic (PMID: 23919265, 25960145, 28818389, 30611313). This variant is not present in population databases (gnomAD no frequency). This variant has not been reported in the literature in individuals affected with RYR1-related conditions. For these reasons, this variant has been classified as Pathogenic.

Literature cited by the submitters: PubMed 23919265; PubMed 25960145; PubMed 28818389; PubMed 30611313.